The following is an entry in ClinVar:

NM_020738.4(KIDINS220):c.5133C>A (p.Val1711=)

Gene: KIDINS220 (kinase D interacting substrate 220; minus strand). Cytogenetic location: 2p25.1.
Variant type: single nucleotide variant.
Coding change: c.5133C>A on transcript NM_020738.4 (MANE Select); coding-DNA position 5133, C replaced by A.
Protein change: p.Val1711=; no amino-acid change (valine 1711 retained).
Molecular consequence: synonymous variant. On other transcripts: intron variant (6).
Genome position (GRCh38, 1-based): chr2:8,730,903, G>T on the plus strand (C>A on the coding strand, the complement: KIDINS220 is on the minus strand). VCF-style: chr2-8730903-G-T. GRCh37 (hg19) VCF-style: chr2-8871033-G-T.
Other names: c.5136C>A, p.Val1712= (NM_001348729.2); c.5079C>A, p.Val1693= (NM_001348731.2); c.5076C>A, p.Val1692= (NM_001348732.2); c.4965C>A, p.Val1655= (NM_001348734.2); c.4962C>A, p.Val1654= (NM_001348735.2); c.4836C>A, p.Val1612= (NM_001348736.2); c.3882+2541C>A (NM_001348741.2, NM_001348742.2, NM_001348743.2); c.3996+2541C>A (NM_001348738.2); and 1 more.
Identifiers: ClinVar variation 3357968 (VCV003357968.3).

ClinVar aggregate classification (germline): Conflicting classifications of pathogenicity. Review status: criteria provided, conflicting classifications (1 of 4 stars). 3 submissions from 3 submitters: Uncertain significance (1); Likely benign (1). 1 of the submissions does not count toward it. Last evaluated 2025-08-17.

Conditions:
KIDINS220-related disorder. Also called: KIDINS220-related condition.

gnomAD v4.1: 2 of 1,614,038 alleles (0.00012%); highest among the groups gnomAD compares: African/African-American, 0.0013%; no homozygotes.

Submissions (3):

Labcorp Genetics (formerly Invitae), Labcorp
Classification: Likely benign. Last evaluated: 2025-08-17. Review status: criteria provided, single submitter. Criteria: Invitae Variant Classification Sherloc (09022015). Collection method: clinical testing. Allele origin: germline.

Blueprint Genetics
Classification: Uncertain significance. Last evaluated: 2020-07-04. Review status: criteria provided, single submitter. Criteria: ACMG Guidelines, 2015. Collection method: clinical testing. Allele origin: germline.

PreventionGenetics, part of Exact Sciences
Classification: Likely benign for KIDINS220-related condition. Last evaluated: 2024-05-29. Review status: no assertion criteria provided. Collection method: clinical testing. Allele origin: germline. Not counted in ClinVar's aggregate classification.
Comment: This variant is classified as likely benign based on ACMG/AMP sequence variant interpretation guidelines (Richards et al. 2015 PMID: 25741868, with internal and published modifications).